The following is an entry in ClinVar:

ClinVar aggregate classification (germline): Uncertain significance. Review status: criteria provided, multiple submitters, no conflicts (2 of 4 stars). 2 submissions from 2 submitters: Uncertain significance (2). Last evaluated 2025-08-29.

Allele frequency attached by ClinVar (database versions not stated): gnomAD 0.00001; ExAC 0.00003.

Submissions (2):

Ambry Genetics
Classification: Uncertain significance. Last evaluated: 2025-08-29. Review status: criteria provided, single submitter. Criteria: Ambry Variant Classification Scheme 2023. Collection method: clinical testing. Allele origin: germline.

Labcorp Genetics (formerly Invitae), Labcorp
Classification: Uncertain significance. Last evaluated: 2023-06-14. Review status: criteria provided, single submitter. Criteria: Invitae Variant Classification Sherloc (09022015). Collection method: clinical testing. Allele origin: germline.
Comment: This sequence change replaces alanine, which is neutral and non-polar, with threonine, which is neutral and polar, at codon 44 of the ADGRE2 protein (p.Ala44Thr). This variant is present in population databases (rs751483105, gnomAD 0.01%). This variant has not been reported in the literature in individuals affected with ADGRE2-related conditions. Algorithms developed to predict the effect of missense changes on protein structure and function output the following: SIFT: "Not Available"; PolyPhen-2: "Benign"; Align-GVGD: "Not Available". The threonine amino acid residue is found in multiple mammalian species, which suggests that this missense change does not adversely affect protein function. In summary, the available evidence is currently insufficient to determine the role of this variant in disease. Therefore, it has been classified as a Variant of Uncertain Significance.

NM_013447.4(ADGRE2):c.130G>A (p.Ala44Thr)

Gene: ADGRE2 (adhesion G protein-coupled receptor E2; minus strand). Cytogenetic location: 19p13.12.
Variant type: single nucleotide variant.
Coding change: c.130G>A on transcript NM_013447.4 (MANE Select); coding-DNA position 130, G replaced by A.
Protein change: p.Ala44Thr; replaces alanine 44 with threonine.
Molecular consequence: missense variant.
Genome position (GRCh38, 1-based): chr19:14,774,007, C>T on the plus strand (G>A on the coding strand, the complement: ADGRE2 is on the minus strand). VCF-style: chr19-14774007-C-T. GRCh37 (hg19) VCF-style: chr19-14884819-C-T.
Other names: c.130G>A, p.Ala44Thr (NM_001271052.1, NM_152916.2, NM_152917.2); short protein forms A44T.
Identifiers: ClinVar variation 2535257 (VCV002535257.6), dbSNP rs751483105, ClinGen allele CA9258297.